The following is an entry in ClinVar:

NM_170606.3(KMT2C):c.12124A>G (p.Ser4042Gly)

Gene: KMT2C (lysine methyltransferase 2C; minus strand). Cytogenetic location: 7q36.1.
Variant type: single nucleotide variant.
Coding change: c.12124A>G on transcript NM_170606.3 (MANE Select); coding-DNA position 12124, A replaced by G.
Protein change: p.Ser4042Gly; replaces serine 4042 with glycine.
Molecular consequence: missense variant.
Genome position (GRCh38, 1-based): chr7:152,154,282, T>C on the plus strand (A>G on the coding strand, the complement: KMT2C is on the minus strand). VCF-style: chr7-152154282-T-C. GRCh37 (hg19) VCF-style: chr7-151851367-T-C.
Other names: short protein forms S4042G.
Identifiers: ClinVar variation 4536608 (VCV004536608.1).
Genomic context (GRCh38, chr7:152,154,282, plus strand): 5'-TGGCGTAGTGTAAAGGGAAATAATAAGGTTAAGTGTTGTTCTTACTTTTCCCAGCAGTGC[T>C]AGGAAGAATTGGAATGATGGGGGACGGCACCGGTTCTGGAGGCTCCTCCTTGACCAATGA-3'
Protein context (NP_733751.2, residues 4032-4052): VPSPIIPILP[Ser4042Gly]TAGKSSESRR

ClinVar aggregate classification (germline): Uncertain significance (1 of 4 stars; one submission).

Submission:

GeneDx
Classification: Uncertain significance. Last evaluated: 2025-06-05. Review status: criteria provided, single submitter. Criteria: GeneDx Variant Classification Process June 2021. Collection method: clinical testing. Allele origin: germline. Affected: yes.
Comment: Not observed at significant frequency in large population cohorts (gnomAD); In silico analysis suggests that this missense variant does not alter protein structure/function; Has not been previously published as pathogenic or benign to our knowledge